The following is an entry in ClinVar:

NM_000093.5(COL5A1):c.2383A>G (p.Lys795Glu)

Gene: COL5A1 (collagen type V alpha 1 chain; plus strand). Cytogenetic location: 9q34.3.
Variant type: single nucleotide variant.
Coding change: c.2383A>G on transcript NM_000093.5 (MANE Select); coding-DNA position 2383, A replaced by G.
Protein change: p.Lys795Glu; replaces lysine 795 with glutamic acid.
Molecular consequence: missense variant.
Genome position (GRCh38, 1-based): chr9:134,774,910, A>G. VCF-style: chr9-134774910-A-G. GRCh37 (hg19) VCF-style: chr9-137666756-A-G.
Other names: c.2383A>G, p.Lys795Glu (NM_001278074.1); short protein forms K795E.
Identifiers: ClinVar variation 1702205 (VCV001702205.6), dbSNP rs2132748056, ClinGen allele CA375451988.
Genomic context (GRCh38, chr9:134,774,910, plus strand): 5'-TGGTTTTAGGGTCCACCTGGCCCCCAGGGTCCGATTGGCTACCCAGGTCCTCGAGGAGTC[A>G]AGGTGAGAGAGACTCACGCCACTCCAGGTCGTCCTGGAGGTCAGGGTTGGGACTGTGGGC-3'
Protein context (NP_000084.3, residues 785-805): PIGYPGPRGV[Lys795Glu]GADGIRGLKG

ClinVar aggregate classification (germline): Uncertain significance. Review status: criteria provided, multiple submitters, no conflicts (2 of 4 stars). 2 submissions from 2 submitters: Uncertain significance (2). Last evaluated 2023-10-14.

Conditions:
Ehlers-Danlos syndrome, classic type, 1 (EDSCL1). Also called: EDS I; Ehlers-Danlos syndrome, type 1; EHLERS-DANLOS SYNDROME, GRAVIS TYPE; EHLERS-DANLOS SYNDROME, SEVERE CLASSIC TYPE; Ehlers-Danlos Syndrome, Classic Type, COL5A1-Related. Identifiers: MedGen C0268335, MONDO:0019567, OMIM 130000.
Ehlers-Danlos syndrome (EDS). Identifiers: Orphanet 98249, MedGen C0013720, MONDO:0020066.

gnomAD v4.1: 2 of 1,613,456 alleles (0.00012%); highest among the groups gnomAD compares: Non-Finnish European, 0.000085%; no homozygotes.

Submissions (2):

Labcorp Genetics (formerly Invitae), Labcorp
Classification: Uncertain significance for Ehlers-Danlos syndrome, classic type, 1. Last evaluated: 2023-10-14. Review status: criteria provided, single submitter. Criteria: Invitae Variant Classification Sherloc (09022015). Collection method: clinical testing. Allele origin: germline.
Comment: This sequence change replaces lysine, which is basic and polar, with glutamic acid, which is acidic and polar, at codon 795 of the COL5A1 protein (p.Lys795Glu). This variant is not present in population databases (gnomAD no frequency). This variant has not been reported in the literature in individuals affected with COL5A1-related conditions. ClinVar contains an entry for this variant (Variation ID: 1702205). An algorithm developed to predict the effect of missense changes on protein structure and function (PolyPhen-2) suggests that this variant is likely to be disruptive. In summary, the available evidence is currently insufficient to determine the role of this variant in disease. Therefore, it has been classified as a Variant of Uncertain Significance.

Genome Diagnostics Laboratory, The Hospital for Sick Children
Classification: Uncertain significance for Ehlers-Danlos syndrome. Last evaluated: 2018-09-01. Review status: criteria provided, single submitter. Criteria: ACMG Guidelines, 2015. Collection method: clinical testing. Allele origin: germline.